The following is an entry in ClinVar:

NM_005633.4(SOS1):c.1645A>G (p.Thr549Ala)

Gene: SOS1 (SOS Ras/Rac guanine nucleotide exchange factor 1; minus strand). Cytogenetic location: 2p22.1.
Variant type: single nucleotide variant.
Coding change: c.1645A>G on transcript NM_005633.4 (MANE Select); coding-DNA position 1645, A replaced by G.
Protein change: p.Thr549Ala; replaces threonine 549 with alanine.
Molecular consequence: missense variant.
Genome position (GRCh38, 1-based): chr2:39,022,783, T>C on the plus strand (A>G on the coding strand, the complement: SOS1 is on the minus strand). VCF-style: chr2-39022783-T-C. GRCh37 (hg19) VCF-style: chr2-39249924-T-C.
Other names: c.1645A>G (NM_005633.3); c.1624A>G, p.Thr542Ala (NM_001382394.1); c.1645A>G, p.Thr549Ala (NM_001382395.1); short protein forms T549A, T542A.
Identifiers: ClinVar variation 561935 (VCV000561935.5), dbSNP rs1558474335, ClinGen allele CA346365698.

ClinVar aggregate classification (germline): Uncertain significance. Review status: reviewed by expert panel (3 of 4 stars). 3 submissions from 3 submitters: Uncertain significance (1). 2 of the submissions do not count toward it. Last evaluated 2020-03-19.

Conditions:
RASopathy. Also called: Noonan spectrum disorder; rasopathies. Identifiers: Orphanet 536391, MedGen C5555857, MONDO:0021060.

Allele frequency attached by ClinVar (database versions not stated): gnomAD exomes below 0.00001.
gnomAD v4.1: 1 of 1,613,480 alleles (0.000062%); highest among the groups gnomAD compares: Non-Finnish European, 0.000085%; no homozygotes.

Submissions (3):

ClinGen RASopathy Variant Curation Expert Panel
Classification: Uncertain significance for RASopathy. Last evaluated: 2020-03-19. Review status: reviewed by expert panel. Criteria: ClinGen RASopathy ACMG Specifications v1. Collection method: curation. Allele origin: germline. Inheritance: Autosomal dominant inheritance.
Comment: The c.1645A>G (p.Thr549Ala) variant in SOS1 was absent from large population studies (PM2). The variant is located in the SOS1 gene, which has been defined by the ClinGen RASopathy Expert Panel as a gene with a low rate of benign missense variants and pathogenic variants are common (PP2; PMID: 29493581). Computational prediction tools and conservation analyses do not provide strong support for or against an impact to the protein. In summary, the clinical significance of this variant is uncertain. RASopathy-specific ACMG/AMP criteria applied: PM2, PP2.

Labcorp Genetics (formerly Invitae), Labcorp
Classification: Uncertain significance for RASopathy. Last evaluated: 2024-10-03. Review status: criteria provided, single submitter. Criteria: Invitae Variant Classification Sherloc (09022015). Collection method: clinical testing. Allele origin: germline. Not counted in ClinVar's aggregate classification.
Comment: This sequence change replaces threonine, which is neutral and polar, with alanine, which is neutral and non-polar, at codon 549 of the SOS1 protein (p.Thr549Ala). This variant is not present in population databases (gnomAD no frequency). This variant has not been reported in the literature in individuals affected with SOS1-related conditions. ClinVar contains an entry for this variant (Variation ID: 561935). Invitae Evidence Modeling of protein sequence and biophysical properties (such as structural, functional, and spatial information, amino acid conservation, physicochemical variation, residue mobility, and thermodynamic stability) has been performed for this missense variant. However, the output from this modeling did not meet the statistical confidence thresholds required to predict the impact of this variant on SOS1 protein function. This variant disrupts the p.Thr549 amino acid residue in SOS1. Other variant(s) that disrupt this residue have been determined to be pathogenic (PMID: 21387466, 29907801). This suggests that this residue is clinically significant, and that variants that disrupt this residue are likely to be disease-causing. In summary, the available evidence is currently insufficient to determine the role of this variant in disease. Therefore, it has been classified as a Variant of Uncertain Significance.

GeneDx
Classification: Uncertain significance. Last evaluated: 2018-06-25. Review status: criteria provided, single submitter. Criteria: GeneDx Variant Classification (06012015). Collection method: clinical testing. Allele origin: germline. Affected: yes. Not counted in ClinVar's aggregate classification.
Comment: A variant of uncertain significance has been identified in the SOS1 gene. The T549A variant has not been published as a pathogenic variant, nor has it been reported as a benign variant to our knowledge. The T549A variant is not observed in large population cohorts (Lek et al., 2016). The T549A variant is a non-conservative amino acid substitution, which is likely to impact secondary protein structure as these residues differ in polarity, charge, size and/or other properties. In addition, missense variants in the same and in nearby residues have been reported in the Human Gene Mutation Database in individuals with Noonan syndrome (Stenson et al., 2014). However, in-silico analyses, including protein predictors and evolutionary conservation, support that this variant does not alter protein structure/function. Therefore, based on the currently available information, it is unclear whether this variant is a pathogenic variant or a rare benign variant.

Literature cited by the submitters: PubMed 21387466 (cited by Labcorp Genetics (formerly Invitae), Labcorp); PubMed 29907801 (cited by Labcorp Genetics (formerly Invitae), Labcorp).